The following is an entry in ClinVar:

ClinVar aggregate classification (germline): Uncertain significance (1 of 4 stars; one submission).

Conditions:
Megalencephaly-polymicrogyria-polydactyly-hydrocephalus syndrome 2 (MPPH2). Also called: MEGALENCEPHALY-POLYMICROGYRIA-POLYDACTYLY-HYDROCEPHALUS SYNDROME 2, SOMATIC. Identifiers: Orphanet 83473, MedGen C4014738, MONDO:0014407, OMIM 615937.

Submission:

Labcorp Genetics (formerly Invitae), Labcorp
Classification: Uncertain significance for Megalencephaly-polymicrogyria-polydactyly-hydrocephalus syndrome 2. Last evaluated: 2019-08-04. Review status: criteria provided, single submitter. Criteria: Invitae Variant Classification Sherloc (09022015). Collection method: clinical testing. Allele origin: germline.
Comment: This variant is not present in population databases (ExAC no frequency). This variant has not been reported in the literature in individuals with AKT3-related conditions. Algorithms developed to predict the effect of missense changes on protein structure and function are either unavailable or do not agree on the potential impact of this missense change (SIFT: "Deleterious"; PolyPhen-2: "Benign"; Align-GVGD: "Class C0"). In summary, the available evidence is currently insufficient to determine the role of this variant in disease. Therefore, it has been classified as a Variant of Uncertain Significance. This sequence change replaces threonine with serine at codon 80 of the AKT3 protein (p.Thr80Ser). The threonine residue is highly conserved and there is a small physicochemical difference between threonine and serine.

NM_005465.7(AKT3):c.238A>T (p.Thr80Ser)

Gene: AKT3 (AKT serine/threonine kinase 3; minus strand). Cytogenetic location: 1q44.
Variant type: single nucleotide variant.
Coding change: c.238A>T on transcript NM_005465.7 (MANE Select); coding-DNA position 238, A replaced by T.
Protein change: p.Thr80Ser; replaces threonine 80 with serine.
Molecular consequence: missense variant.
Genome position (GRCh38, 1-based): chr1:243,664,818, T>A on the plus strand (A>T on the coding strand, the complement: AKT3 is on the minus strand). VCF-style: chr1-243664818-T-A. GRCh37 (hg19) VCF-style: chr1-243828120-T-A.
Other names: c.238A>T, p.Thr80Ser (NM_001206729.2, NM_001370074.1, NM_181690.2); short protein forms T80S.
Identifiers: ClinVar variation 955844 (VCV000955844.9), dbSNP rs1682656371, ClinGen allele CA345669256.